The following is an entry in ClinVar:

NM_153700.2(STRC):c.4402C>T (p.Arg1468Ter)

Gene: STRC (stereocilin; minus strand). Cytogenetic location: 15q15.3.
Variant type: single nucleotide variant.
Coding change: c.4402C>T on transcript NM_153700.2 (MANE Select); coding-DNA position 4402, C replaced by T.
Protein change: p.Arg1468Ter; replaces arginine 1468 with a stop codon.
Molecular consequence: nonsense.
Genome position (GRCh38, 1-based): chr15:43,603,385, G>A on the plus strand (C>T on the coding strand, the complement: STRC is on the minus strand). VCF-style: chr15-43603385-G-A. GRCh37 (hg19) VCF-style: chr15-43895583-G-A.
Other names: short protein forms R1468*.
Identifiers: ClinVar variation 179758 (VCV000179758.19), dbSNP rs377480477, ClinGen allele CA273649.

ClinVar aggregate classification (germline): Pathogenic. Review status: criteria provided, multiple submitters, no conflicts (2 of 4 stars). 10 submissions from 10 submitters: Pathogenic (8). 2 of the submissions do not count toward it. Last evaluated 2026-09-01.

Conditions:
Rare genetic deafness. Identifiers: Orphanet 96210, MedGen C5680250.
STRC-related disorder. Also called: STRC-related condition.
Autosomal recessive nonsyndromic hearing loss 16. Also called: DEAFNESS, AUTOSOMAL RECESSIVE 16; DFNB16 Nonsyndromic Hearing Loss and Deafness. Identifiers: Orphanet 90636, MedGen C1863561, MONDO:0011364, OMIM 603720.

Allele frequency attached by ClinVar (database versions not stated): ESP Exome Variant Server 0.00008; gnomAD exomes 0.00008 and 0.00009; TOPMed 0.00009; gnomAD 0.00010 and 0.00011; ExAC 0.00011.
gnomAD v4.1: 135 of 1,613,510 alleles (0.0084%); highest among the groups gnomAD compares: Middle Eastern, 0.016%; 3 homozygotes.

Submissions (10):

GeneDx
Classification: Pathogenic. Last evaluated: 2026-09-01. Review status: criteria provided, single submitter. Criteria: GeneDx Variant Classification Process June 2021. Collection method: clinical testing. Allele origin: germline.
Comment: Nonsense variant predicted to result in protein truncation or nonsense mediated decay in a gene for which loss of function is a known mechanism of disease; This variant is associated with the following publications: (PMID: 33879512, 29425068, 31552524, 32860223, 34171171, 32705992, 36555390, 26011646, 36979683)

PreventionGenetics, part of Exact Sciences
Classification: Pathogenic for STRC-related condition. Last evaluated: 2026-04-01. Review status: criteria provided, single submitter. Criteria: ACMG Guidelines, 2015. Collection method: clinical testing. Allele origin: germline.
Comment: The STRC c.4402C>T variant is predicted to result in premature protein termination (p.Arg1468*). This variant has been reported in the compound heterozygous state with a second pathogenic variant in multiple individuals with hearing loss (Vona et al. 2015. PubMed ID: 26011646; Marková et al. 2018. PubMed ID: 29425068; Table S1, Shatokhina et al. 2022. PubMed ID: 36555390). This variant is reported in 0.014% of alleles in individuals of European (Non-Finnish) descent in gnomAD. Nonsense variants in STRC are expected to be pathogenic. This variant is interpreted as pathogenic.

Blueprint Genetics
Classification: Pathogenic for STRC-related disorders. Last evaluated: 2024-06-12. Review status: criteria provided, single submitter. Criteria: ACMG Guidelines, 2015. Collection method: clinical testing. Allele origin: germline. Affected: yes. Observed: 5 variant alleles.

The Shared Resource Centre "Genome", Research Centre for Medical Genetics
Classification: Pathogenic for Autosomal recessive nonsyndromic hearing loss 16. Last evaluated: 2022-11-10. Review status: criteria provided, single submitter. Criteria: ACMG Guidelines, 2015. Collection method: clinical testing. Allele origin: germline. Affected: yes. Observed: 1 variant allele.

Laboratory for Molecular Medicine, Mass General Brigham Personalized Medicine
Classification: Pathogenic for Rare genetic deafness. Last evaluated: 2017-07-05. Review status: criteria provided, single submitter. Criteria: LMM Criteria. Collection method: clinical testing. Allele origin: germline. Inheritance: Autosomal recessive inheritance. Observed: 2 variant alleles.
Comment: It has also been identified in 18/126662 European chromosomes by the Genome Aggregation Database (gnomAD; dbSNP rs377480477). Although this variant has been seen in the general population, it s frequency is low enough to be consistent with a recessive carrier frequency. T his nonsense variant leads to a premature termination codon at position 1468, wh ich is predicted to lead to a truncated or absent protein. In summary, the p.Arg 1468X variant meets criteria to be classified as pathogenic for hearing loss in an autosomal recessive manner based on its predicted impact on the protein.

Clinical Genetics and Genomics, Karolinska University Hospital
Classification: Pathogenic. Last evaluated: 2016-12-06. Review status: criteria provided, single submitter. Criteria: ACMG Guidelines, 2015. Collection method: clinical testing. Allele origin: germline. Affected: yes. Observed: 3 variant alleles.

Genome-Nilou Lab
Classification: Pathogenic for Autosomal recessive nonsyndromic hearing loss 16. Review status: criteria provided, single submitter. Criteria: ACMG Guidelines, 2015. Collection method: clinical testing. Allele origin: germline.

Juno Genomics, Hangzhou Juno Genomics, Inc
Classification: Pathogenic for Autosomal recessive nonsyndromic hearing loss 16. Review status: criteria provided, single submitter. Criteria: ACMG Guidelines, 2015. Collection method: clinical testing. Allele origin: germline.
Comment: Absent from controls (or at extremely low frequency if recessive) in Genome Aggregation Database.;Null variant in a gene where loss of function (LOF) is a known mechanism of disease.;For recessive disorders, detected in trans with a pathogenic variant.

Clinical Genetics DNA and cytogenetics Diagnostics Lab, Erasmus MC, Erasmus Medical Center
Classification: Pathogenic. Review status: no assertion criteria provided. Collection method: clinical testing. Allele origin: germline. Affected: yes. Study: VKGL Data-share Consensus. Not counted in ClinVar's aggregate classification.

Joint Genome Diagnostic Labs from Nijmegen and Maastricht, Radboudumc and MUMC+
Classification: Pathogenic. Review status: no assertion criteria provided. Collection method: clinical testing. Allele origin: germline. Affected: yes. Study: VKGL Data-share Consensus. Not counted in ClinVar's aggregate classification.

Literature cited by the submitters: PubMed 25157971 (cited by Laboratory for Molecular Medicine, Mass General Brigham Personalized Medicine).